The following is an entry in ClinVar:

ClinVar aggregate classification (germline): Uncertain significance. Review status: criteria provided, multiple submitters, no conflicts (2 of 4 stars). 2 submissions from 2 submitters: Uncertain significance (2). Last evaluated 2025-08-18.

Conditions:
Hereditary cancer-predisposing syndrome. Also called: Neoplastic Syndromes, Hereditary; Hereditary neoplastic syndrome; Tumor predisposition; Hereditary Cancer Syndrome. Identifiers: Orphanet 140162, MedGen C0027672, MeSH D009386, MONDO:0015356.
Hereditary nonpolyposis colorectal neoplasms. Identifiers: MedGen C0009405, MeSH D003123.

Submissions (2):

Labcorp Genetics (formerly Invitae), Labcorp
Classification: Uncertain significance for Hereditary nonpolyposis colorectal neoplasms. Last evaluated: 2025-08-18. Review status: criteria provided, single submitter. Criteria: Invitae Variant Classification Sherloc (09022015). Collection method: clinical testing. Allele origin: germline.
Comment: This sequence change replaces alanine, which is neutral and non-polar, with glycine, which is neutral and non-polar, at codon 940 of the MSH6 protein (p.Ala940Gly). This variant is not present in population databases (gnomAD no frequency). This variant has not been reported in the literature in individuals affected with MSH6-related conditions. ClinVar contains an entry for this variant (Variation ID: 1999733). Invitae Evidence Modeling of protein sequence and biophysical properties (such as structural, functional, and spatial information, amino acid conservation, physicochemical variation, residue mobility, and thermodynamic stability) has been performed for this missense variant. However, the output from this modeling did not meet the statistical confidence thresholds required to predict the impact of this variant on MSH6 protein function. In summary, the available evidence is currently insufficient to determine the role of this variant in disease. Therefore, it has been classified as a Variant of Uncertain Significance.

Ambry Genetics
Classification: Uncertain significance for Hereditary cancer-predisposing syndrome. Last evaluated: 2023-03-17. Review status: criteria provided, single submitter. Criteria: Ambry Variant Classification Scheme 2023. Collection method: clinical testing. Allele origin: germline.
Comment: The p.A940G variant (also known as c.2819C>G), located in coding exon 4 of the MSH6 gene, results from a C to G substitution at nucleotide position 2819. The alanine at codon 940 is replaced by glycine, an amino acid with similar properties. This amino acid position is conserved. In addition, this alteration is predicted to be deleterious by in silico analysis. Since supporting evidence is limited at this time, the clinical significance of this alteration remains unclear.

NM_000179.3(MSH6):c.2819C>G (p.Ala940Gly)

Gene: MSH6 (mutS homolog 6; plus strand). Cytogenetic location: 2p16.3.
Variant type: single nucleotide variant.
Coding change: c.2819C>G on transcript NM_000179.3 (MANE Select); coding-DNA position 2819, C replaced by G.
Protein change: p.Ala940Gly; replaces alanine 940 with glycine.
Molecular consequence: missense variant.
Genome position (GRCh38, 1-based): chr2:47,800,802, C>G. VCF-style: chr2-47800802-C-G. GRCh37 (hg19) VCF-style: chr2-48027941-C-G.
Other names: c.2429C>G, p.Ala810Gly (NM_001281492.2); c.1913C>G, p.Ala638Gly (NM_001281493.2, NM_001281494.2, NM_001406811.1 and 6 more transcripts); c.2915C>G, p.Ala972Gly (NM_001406795.1, NM_001406802.1); c.2819C>G, p.Ala940Gly (NM_001406796.1, NM_001406798.1, NM_001406800.1 and 2 more transcripts); c.2522C>G, p.Ala841Gly (NM_001406797.1, NM_001406801.1, NM_001406805.1 and 10 more transcripts); c.2294C>G, p.Ala765Gly (NM_001406799.1, NM_001406806.1, NM_001406807.1); c.2741C>G, p.Ala914Gly (NM_001406804.1); c.2825C>G, p.Ala942Gly (NM_001406813.1); and 2 more; short protein forms A638G, A255G, A914G, A884G, A940G, A942G, A972G, A765G.
Identifiers: ClinVar variation 1999733 (VCV001999733.6), dbSNP rs2104425670, ClinGen allele CA346755662.